The following is an entry in ClinVar:

NM_014363.6(SACS):c.8702A>G (p.Asn2901Ser)

Gene: SACS (sacsin molecular chaperone; minus strand). Cytogenetic location: 13q12.12.
Variant type: single nucleotide variant.
Coding change: c.8702A>G on transcript NM_014363.6 (MANE Select); coding-DNA position 8702, A replaced by G.
Protein change: p.Asn2901Ser; replaces asparagine 2901 with serine.
Molecular consequence: missense variant.
Genome position (GRCh38, 1-based): chr13:23,335,174, T>C on the plus strand (A>G on the coding strand, the complement: SACS is on the minus strand). VCF-style: chr13-23335174-T-C. GRCh37 (hg19) VCF-style: chr13-23909313-T-C.
Other names: c.8261A>G, p.Asn2754Ser (NM_001278055.2); short protein forms N2754S, N2901S.
Identifiers: ClinVar variation 2130428 (VCV002130428.4), dbSNP rs761285881, ClinGen allele CA6910729.

ClinVar aggregate classification (germline): Uncertain significance (1 of 4 stars; one submission).

Conditions:
Spastic paraplegia. Identifiers: MedGen C0037772, HP:0001258.

Allele frequency attached by ClinVar (database versions not stated): ExAC 0.00001.

Submission:

Labcorp Genetics (formerly Invitae), Labcorp
Classification: Uncertain significance for Spastic paraplegia. Last evaluated: 2025-06-03. Review status: criteria provided, single submitter. Criteria: Invitae Variant Classification Sherloc (09022015). Collection method: clinical testing. Allele origin: germline.
Comment: This sequence change replaces asparagine, which is neutral and polar, with serine, which is neutral and polar, at codon 2901 of the SACS protein (p.Asn2901Ser). This variant is present in population databases (rs761285881, gnomAD 0.004%). This variant has not been reported in the literature in individuals affected with SACS-related conditions. ClinVar contains an entry for this variant (Variation ID: 2130428). Invitae Evidence Modeling of protein sequence and biophysical properties (such as structural, functional, and spatial information, amino acid conservation, physicochemical variation, residue mobility, and thermodynamic stability) indicates that this missense variant is not expected to disrupt SACS protein function with a negative predictive value of 95%. In summary, the available evidence is currently insufficient to determine the role of this variant in disease. Therefore, it has been classified as a Variant of Uncertain Significance.